The following is an entry in ClinVar:

NM_024642.5(GALNT12):c.907G>A (p.Asp303Asn)

Gene: GALNT12 (polypeptide N-acetylgalactosaminyltransferase 12; plus strand). Cytogenetic location: 9q22.33.
Variant type: single nucleotide variant.
Coding change: c.907G>A on transcript NM_024642.5 (MANE Select); coding-DNA position 907, G replaced by A.
Protein change: p.Asp303Asn; replaces aspartic acid 303 with asparagine.
Molecular consequence: missense variant.
Genome position (GRCh38, 1-based): chr9:98,831,947, G>A. VCF-style: chr9-98831947-G-A. GRCh37 (hg19) VCF-style: chr9-101594229-G-A.
Other names: short protein forms D303N.
Identifiers: ClinVar variation 224569 (VCV000224569.41), dbSNP rs145236923, ClinGen allele CA351208.

ClinVar aggregate classification (germline): Conflicting classifications of pathogenicity. Review status: criteria provided, conflicting classifications (1 of 4 stars). 9 submissions from 9 submitters: Uncertain significance (3); Likely benign (4). 2 of the submissions do not count toward it. Last evaluated 2026-01-27.

Conditions:
Colorectal cancer, susceptibility to, 1. Also called: COLORECTAL ADENOMA AND CANCER, SUSCEPTIBILITY TO; COLORECTAL CANCER, SUSCEPTIBILITY TO, ON CHROMOSOME 9. Identifiers: MedGen C1837315, MONDO:0012132, OMIM 608812.
Adenomatous polyposis coli, attenuated (AAPC). Identifiers: MedGen C1868019. Disease mechanism: loss of function.
GALNT12-related disorder. Also called: GALNT12-related condition.
Hereditary cancer-predisposing syndrome. Also called: Tumor predisposition; Neoplastic Syndromes, Hereditary; Hereditary Cancer Syndrome; Hereditary neoplastic syndrome. Identifiers: Orphanet 140162, MedGen C0027672, MeSH D009386, MONDO:0015356.

Allele frequency attached by ClinVar (database versions not stated): 1000 Genomes Project 0.00080; ESP Exome Variant Server 0.00092; 1000 Genomes Project 30x 0.00094; gnomAD 0.00117 and 0.00129; ExAC 0.00123; gnomAD exomes 0.00124; TOPMed 0.00132.

Submissions (9):

Labcorp Genetics (formerly Invitae), Labcorp
Classification: Likely benign. Last evaluated: 2026-01-27. Review status: criteria provided, single submitter. Criteria: Invitae Variant Classification Sherloc (09022015). Collection method: clinical testing. Allele origin: germline.

Quest Diagnostics Nichols Institute San Juan Capistrano
Classification: Likely benign. Last evaluated: 2025-01-17. Review status: criteria provided, single submitter. Criteria: Quest Diagnostics criteria. Collection method: clinical testing. Allele origin: unknown.

Blueprint Genetics
Classification: Likely benign. Last evaluated: 2024-11-07. Review status: criteria provided, single submitter. Criteria: ACMG Guidelines, 2015. Collection method: clinical testing. Allele origin: germline.

Department of Pathology and Laboratory Medicine, Sinai Health System
Classification: Uncertain significance for Colorectal cancer, susceptibility to, 1. Last evaluated: 2024-04-22. Review status: criteria provided, single submitter. Criteria: ACMG Guidelines, 2015. Collection method: clinical testing. Allele origin: germline. Affected: yes.

Institute for Clinical Genetics, University Hospital TU Dresden, University Hospital TU Dresden
Classification: Uncertain significance. Last evaluated: 2021-11-03. Review status: criteria provided, single submitter. Criteria: ACMG Guidelines, 2015. Collection method: clinical testing. Allele origin: germline.

Ambry Genetics
Classification: Likely benign. Last evaluated: 2020-03-23. Review status: criteria provided, single submitter. Criteria: Ambry Variant Classification Scheme 2023. Collection method: clinical testing. Allele origin: germline.

University of Washington Department of Laboratory Medicine, University of Washington
Classification: Uncertain significance for Hereditary cancer-predisposing syndrome. Last evaluated: 2015-11-20. Review status: criteria provided, single submitter. Criteria: Shirts et al. (Genet Med 2016). Collection method: clinical testing. Allele origin: germline. Affected: yes. Observed: 4 variant alleles. Clinical features observed: colon cancer, breast cancer, bilateral breast cancer, skin cancer.

PreventionGenetics, part of Exact Sciences
Classification: Likely benign for GALNT12-related condition. Last evaluated: 2020-07-14. Review status: no assertion criteria provided. Collection method: clinical testing. Allele origin: germline. Not counted in ClinVar's aggregate classification.
Comment: This variant is classified as likely benign based on ACMG/AMP sequence variant interpretation guidelines (Richards et al. 2015 PMID: 25741868, with internal and published modifications).

Molecular Oncology Laboratory, Hospital Clínico San Carlos
Classification: Benign for Adenomatous polyposis coli, attenuated. Review status: no assertion criteria provided. Collection method: research. Allele origin: germline. Inheritance: Autosomal dominant inheritance. Affected: yes. Observed: 4 variant alleles, 4 heterozygotes. Clinical features observed: Adenomatous colonic polyposis. Not counted in ClinVar's aggregate classification.
Comment: No statistical differences in allelic frequencies between polyposis subjects and controls. No aberrant glycosylation patterns detected in adenomas of polyposis cases.

Literature cited by the submitters: PubMed 31548401 (cited by Quest Diagnostics Nichols Institute San Juan Capistrano); PubMed 19617566 (cited by 3 submitters); PubMed 22461326 (cited by 3 submitters); PubMed 24357849 (cited by Quest Diagnostics Nichols Institute San Juan Capistrano); PubMed 24038392 (cited by Quest Diagnostics Nichols Institute San Juan Capistrano and Ambry Genetics); PubMed 27153395 (cited by Quest Diagnostics Nichols Institute San Juan Capistrano); PubMed 29095867 (cited by Quest Diagnostics Nichols Institute San Juan Capistrano and Molecular Oncology Laboratory, Hospital Clínico San Carlos); PubMed 28944238 (cited by Quest Diagnostics Nichols Institute San Juan Capistrano and Department of Pathology and Laboratory Medicine, Sinai Health System); PubMed 29749045 (cited by Quest Diagnostics Nichols Institute San Juan Capistrano and Department of Pathology and Laboratory Medicine, Sinai Health System); PubMed 33193653 (cited by Quest Diagnostics Nichols Institute San Juan Capistrano and Department of Pathology and Laboratory Medicine, Sinai Health System); PubMed 29596542 (cited by Quest Diagnostics Nichols Institute San Juan Capistrano and Ambry Genetics); PubMed 26845104 (cited by 3 submitters); PubMed 20551049 (cited by Quest Diagnostics Nichols Institute San Juan Capistrano and Ambry Genetics).